The following is an entry in ClinVar:

ClinVar aggregate classification (germline): Uncertain significance (1 of 4 stars; one submission).

Conditions:
Multiple endocrine neoplasia type 4. Also called: MULTIPLE ENDOCRINE NEOPLASIA, TYPE IV. Identifiers: Orphanet 276152, MedGen C1970712, MONDO:0012552, OMIM 610755.

Submission:

Labcorp Genetics (formerly Invitae), Labcorp
Classification: Uncertain significance for Multiple endocrine neoplasia type 4. Last evaluated: 2022-12-31. Review status: criteria provided, single submitter. Criteria: Invitae Variant Classification Sherloc (09022015). Collection method: clinical testing. Allele origin: germline.
Comment: This sequence change replaces phenylalanine, which is neutral and non-polar, with leucine, which is neutral and non-polar, at codon 64 of the CDKN1B protein (p.Phe64Leu). This variant is not present in population databases (gnomAD no frequency). This variant has not been reported in the literature in individuals affected with CDKN1B-related conditions. Algorithms developed to predict the effect of missense changes on protein structure and function are either unavailable or do not agree on the potential impact of this missense change (SIFT: "Deleterious"; PolyPhen-2: "Probably Damaging"; Align-GVGD: "Class C15"). In summary, the available evidence is currently insufficient to determine the role of this variant in disease. Therefore, it has been classified as a Variant of Uncertain Significance.

NM_004064.5(CDKN1B):c.192T>A (p.Phe64Leu)

Gene: CDKN1B (cyclin dependent kinase inhibitor 1B; plus strand). Cytogenetic location: 12p13.1.
Variant type: single nucleotide variant.
Coding change: c.192T>A on transcript NM_004064.5 (MANE Select); coding-DNA position 192, T replaced by A.
Protein change: p.Phe64Leu; replaces phenylalanine 64 with leucine.
Molecular consequence: missense variant.
Genome position (GRCh38, 1-based): chr12:12,718,031, T>A. VCF-style: chr12-12718031-T-A. GRCh37 (hg19) VCF-style: chr12-12870965-T-A.
Other names: short protein forms F64L.
Identifiers: ClinVar variation 2825313 (VCV002825313.3), dbSNP rs2136355753, ClinGen allele CA383969378.